The following is an entry in ClinVar:

NM_030665.4(RAI1):c.4727G>A (p.Arg1576His)

Gene: RAI1 (retinoic acid induced 1; plus strand). Cytogenetic location: 17p11.2.
Variant type: single nucleotide variant.
Coding change: c.4727G>A on transcript NM_030665.4 (MANE Select); coding-DNA position 4727, G replaced by A.
Protein change: p.Arg1576His; replaces arginine 1576 with histidine.
Molecular consequence: missense variant.
Genome position (GRCh38, 1-based): chr17:17,797,675, G>A. VCF-style: chr17-17797675-G-A. GRCh37 (hg19) VCF-style: chr17-17700989-G-A.
Other names: c.4727G>A (NM_030665.3); short protein forms R1576H.
Identifiers: ClinVar variation 1546773 (VCV001546773.9), dbSNP rs764594243, ClinGen allele CA8419017.

ClinVar aggregate classification (germline): Conflicting classifications of pathogenicity. Review status: criteria provided, conflicting classifications (1 of 4 stars). 2 submissions from 2 submitters: Uncertain significance (1); Likely benign (1). Last evaluated 2026-05-19.

Conditions:
RAI1-related disorder. Also called: RAI1-related condition.

Allele frequency attached by ClinVar (database versions not stated): TOPMed below 0.00001; gnomAD 0.00001; gnomAD exomes 0.00001 and 0.00002; ExAC 0.00002.

Submissions (2):

PreventionGenetics, part of Exact Sciences
Classification: Uncertain significance for RAI1-related condition. Last evaluated: 2026-05-19. Review status: criteria provided, single submitter. Criteria: ACMG Guidelines, 2015. Collection method: clinical testing. Allele origin: germline.
Comment: The RAI1 c.4727G>A variant is predicted to result in the amino acid substitution p.Arg1576His. To our knowledge, this variant has not been reported in the literature. This variant is reported in 0.0033% of alleles in individuals of South Asian descent in gnomAD. At this time, the clinical significance of this variant is uncertain due to the absence of conclusive functional and genetic evidence.

Labcorp Genetics (formerly Invitae), Labcorp
Classification: Likely benign. Last evaluated: 2025-01-11. Review status: criteria provided, single submitter. Criteria: Invitae Variant Classification Sherloc (09022015). Collection method: clinical testing. Allele origin: germline.